The following is an entry in ClinVar:

ClinVar aggregate classification (germline): Likely benign (1 of 4 stars; one submission).

gnomAD v4.1: 1 of 1,613,868 alleles (0.000062%); highest among the groups gnomAD compares: Non-Finnish European, 0.000085%; no homozygotes.

Submission:

CeGaT Center for Human Genetics Tuebingen
Classification: Likely benign. Last evaluated: 2026-01-01. Review status: criteria provided, single submitter. Criteria: CeGaT Center For Human Genetics Tuebingen Variant Classification Criteria Version 2. Collection method: clinical testing. Allele origin: germline. Affected: yes. Observed: 1 variant allele.
Comment: OTOA: BP4, BP7

NM_144672.4(OTOA):c.1095C>A (p.Gly365=)

Gene: OTOA (otoancorin). Cytogenetic location: 16p12.2.
Variant type: single nucleotide variant.
Coding change: c.1095C>A on transcript NM_144672.4 (MANE Select); coding-DNA position 1095, C replaced by A.
Protein change: p.Gly365=; no amino-acid change (glycine 365 retained).
Molecular consequence: synonymous variant.
Genome position (GRCh38, 1-based): chr16:21,705,283, C>A. VCF-style: chr16-21705283-C-A. GRCh37 (hg19) VCF-style: chr16-21716604-C-A.
Other names: c.858C>A, p.Gly286= (NM_001161683.2); c.123C>A, p.Gly41= (NM_170664.3).
Identifiers: ClinVar variation 4823085 (VCV004823085.4).
Genomic context (GRCh38, chr16:21,705,283, plus strand): 5'-GGCTCAAGTCCTGCTTTACCAGATGATCAAGTGCAGCCACCTGAGGGGCTTCCAGGCTGG[C>A]GTCCAGAAGGTACAGCTGGGGTGCAAGGCCCTGAGGCCTCTGCCTCAGTGTCACTAGCCA-3'
Protein context (NP_653273.3, residues 355-375): KCSHLRGFQA[Gly365=]VQKLKAELLD